The following is an entry in ClinVar:

ClinVar aggregate classification (germline): Uncertain significance (1 of 4 stars; one submission).

Allele frequency attached by ClinVar (database versions not stated): gnomAD exomes below 0.00001; gnomAD 0.00001.
gnomAD v4.1: 3 of 1,614,124 alleles (0.00019%); highest among the groups gnomAD compares: Middle Eastern, 0.033%; no homozygotes.

Submission:

Labcorp Genetics (formerly Invitae), Labcorp
Classification: Uncertain significance. Last evaluated: 2022-09-07. Review status: criteria provided, single submitter. Criteria: Invitae Variant Classification Sherloc (09022015). Collection method: clinical testing. Allele origin: germline.
Comment: This sequence change replaces asparagine, which is neutral and polar, with lysine, which is basic and polar, at codon 1087 of the TRPM1 protein (p.Asn1087Lys). This variant is not present in population databases (gnomAD no frequency). This variant has not been reported in the literature in individuals affected with TRPM1-related conditions. ClinVar contains an entry for this variant (Variation ID: 1376681). Algorithms developed to predict the effect of missense changes on protein structure and function are either unavailable or do not agree on the potential impact of this missense change (SIFT: "Tolerated"; PolyPhen-2: "Possibly Damaging"; Align-GVGD: "Class C0"). Algorithms developed to predict the effect of sequence changes on RNA splicing suggest that this variant may create or strengthen a splice site. In summary, the available evidence is currently insufficient to determine the role of this variant in disease. Therefore, it has been classified as a Variant of Uncertain Significance.

NM_001252024.2(TRPM1):c.3327C>A (p.Asn1109Lys)

Genes: TRPM1 (transient receptor potential cation channel subfamily M member 1; minus strand), TRPM1-AS1 (TRPM1 antisense RNA 1; plus strand). Cytogenetic location: 15q13.3.
Variant type: single nucleotide variant.
Coding change: c.3327C>A on transcript NM_001252024.2 (MANE Select); coding-DNA position 3327, C replaced by A.
Protein change: p.Asn1109Lys; replaces asparagine 1109 with lysine.
Molecular consequence: missense variant.
Genome position (GRCh38, 1-based): chr15:31,027,084, G>T on the plus strand (C>A on the coding strand, the complement: TRPM1 is on the minus strand). VCF-style: chr15-31027084-G-T. GRCh37 (hg19) VCF-style: chr15-31319287-G-T.
Other names: c.3378C>A, p.Asn1126Lys (NM_001252020.2); c.3261C>A, p.Asn1087Lys (NM_002420.6); short protein forms N1087K, N1109K, N1126K.
Identifiers: ClinVar variation 1376681 (VCV001376681.3), dbSNP rs1566997399, ClinGen allele CA391542459.
Genomic context (GRCh38, chr15:31,027,084, plus strand): 5'-CAGGACTGGCCTGTCATGAAATGTCATAATCAGCTGATATCGCTGGAACTTCCACACCTG[G>T]TTGGATATTGATTTTACTTCAAAGAAGGTATTGCTTTAAAAAGAAGACATTTTTACAGTT-3'
Protein context (NP_001238953.1, residues 1099-1119): NTFFEVKSIS[Asn1109Lys]QVWKFQRYQL